The following is an entry in ClinVar:

ClinVar aggregate classification (germline): Conflicting classifications of pathogenicity. Review status: criteria provided, conflicting classifications (1 of 4 stars). 4 submissions from 3 submitters: Uncertain significance (3); Likely benign (1). Last evaluated 2023-01-05.

Conditions:
Osteogenesis imperfecta (OI). Identifiers: Orphanet 666, MedGen C0029434, MeSH D010013, MONDO:0019019.
Ehlers-Danlos syndrome, arthrochalasia type, 2. Also called: EHLERS-DANLOS SYNDROME, TYPE VIIB, AUTOSOMAL DOMINANT. Identifiers: MedGen CN293783, MONDO:0040501, OMIM 617821.
Osteogenesis imperfecta type I (OI1). Also called: Lobstein's Disease; OI, TYPE I; OSTEOGENESIS IMPERFECTA TARDA; OSTEOGENESIS IMPERFECTA WITH BLUE SCLERAE; Osteogenesis imperfecta type 1; Lobstein disease. Identifiers: Orphanet 216796, Orphanet 666, MedGen C0023931, MONDO:0008146, OMIM 166200. Disease mechanism: loss of function.
Ehlers-Danlos syndrome, classic type, 1 (EDSCL1). Also called: Ehlers-Danlos syndrome, type 1; EHLERS-DANLOS SYNDROME, GRAVIS TYPE; EHLERS-DANLOS SYNDROME, SEVERE CLASSIC TYPE; EDS I; Ehlers-Danlos Syndrome, Classic Type, COL5A1-Related. Identifiers: MedGen C0268335, MONDO:0019567, OMIM 130000.
Cardiovascular phenotype. Identifiers: MedGen CN230736.

Allele frequency attached by ClinVar (database versions not stated): gnomAD 0.00001; TOPMed 0.00002; ExAC 0.00003.
gnomAD v4.1: 33 of 1,613,796 alleles (0.002%); highest among the groups gnomAD compares: South Asian, 0.012%; no homozygotes.

Submissions (4):

Labcorp Genetics (formerly Invitae), Labcorp
Classification: Uncertain significance for Osteogenesis imperfecta type I; Ehlers-Danlos syndrome, classic type, 1. Last evaluated: 2023-01-05. Review status: criteria provided, single submitter. Criteria: Invitae Variant Classification Sherloc (09022015). Collection method: clinical testing. Allele origin: germline.
Comment: In summary, the available evidence is currently insufficient to determine the role of this variant in disease. Therefore, it has been classified as a Variant of Uncertain Significance. Algorithms developed to predict the effect of sequence changes on RNA splicing suggest that this variant is not likely to affect RNA splicing. ClinVar contains an entry for this variant (Variation ID: 909723). This variant has not been reported in the literature in individuals affected with COL1A2-related conditions. This variant is present in population databases (rs748961276, gnomAD 0.01%). This sequence change affects codon 363 of the COL1A2 mRNA. It is a 'silent' change, meaning that it does not change the encoded amino acid sequence of the COL1A2 protein. It affects a nucleotide within the consensus splice site.

Ambry Genetics
Classification: Likely benign for Cardiovascular phenotype. Last evaluated: 2019-04-09. Review status: criteria provided, single submitter. Criteria: Ambry Variant Classification Scheme 2023. Collection method: clinical testing. Allele origin: germline.

Illumina Laboratory Services, Illumina
Classification: Uncertain significance for Ehlers-Danlos syndrome, arthrochalasia type, 2. Last evaluated: 2017-04-27. Review status: criteria provided, single submitter. Criteria: ICSL Variant Classification Criteria 13 December 2019. Collection method: clinical testing. Allele origin: germline.

Illumina Laboratory Services, Illumina
Classification: Uncertain significance for Osteogenesis imperfecta. Last evaluated: 2017-04-27. Review status: criteria provided, single submitter. Criteria: ICSL Variant Classification Criteria 13 December 2019. Collection method: clinical testing. Allele origin: germline.

NM_000089.4(COL1A2):c.1089C>T (p.Pro363=)

Gene: COL1A2 (collagen type I alpha 2 chain; plus strand). Cytogenetic location: 7q21.3.
Variant type: single nucleotide variant.
Coding change: c.1089C>T on transcript NM_000089.4 (MANE Select); coding-DNA position 1089, C replaced by T.
Protein change: p.Pro363=; no amino-acid change (proline 363 retained).
Molecular consequence: synonymous variant.
Genome position (GRCh38, 1-based): chr7:94,410,295, C>T. VCF-style: chr7-94410295-C-T. GRCh37 (hg19) VCF-style: chr7-94039607-C-T.
Identifiers: ClinVar variation 909723 (VCV000909723.14), dbSNP rs748961276, ClinGen allele CA4346929.
Genomic context (GRCh38, chr7:94,410,295, plus strand): 5'-ACCCTAGGGTGAGCCTGGTCCAGCTGGCTCCAAAGGAGAGAGCGGTAACAAGGGTGAGCC[C>T]GTAAGTAGCTCTATCATCACACTTTTATAAAGTTAATTGTTTTTCTCATTCCAGTTTCTC-3'
Protein context (NP_000080.2, residues 353-373): SKGESGNKGE[Pro363=]GSAGPQGPPG